The following is an entry in ClinVar:

ClinVar aggregate classification (germline): Benign/Likely benign. Review status: criteria provided, multiple submitters, no conflicts (2 of 4 stars). 5 submissions from 5 submitters: Benign (3); Likely benign (2). Last evaluated 2026-02-02.

Conditions:
Mitochondrial DNA depletion syndrome 13. Also called: FBXL4-Related Encephalomyopathic Mitochondrial DNA Depletion Syndrome; Mitochondrial DNA depletion syndrome 13 (encephalomyopathic type). Identifiers: Orphanet 369897, MedGen C3809592, MONDO:0014198, OMIM 615471.

Allele frequency attached by ClinVar (database versions not stated): gnomAD exomes 0.00044 and 0.00119; ExAC 0.00145; 1000 Genomes Project 0.00419; gnomAD 0.00441 and 0.00480; ESP Exome Variant Server 0.00454; 1000 Genomes Project 30x 0.00468; TOPMed 0.00508.
gnomAD v4.1: 1,344 of 1,614,162 alleles (0.083%); highest among the groups gnomAD compares: African/African-American, 1.6%; 10 homozygotes.

Submissions (5):

Labcorp Genetics (formerly Invitae), Labcorp
Classification: Benign. Last evaluated: 2026-02-02. Review status: criteria provided, single submitter. Criteria: Invitae Variant Classification Sherloc (09022015). Collection method: clinical testing. Allele origin: germline.

Blueprint Genetics
Classification: Likely benign. Last evaluated: 2024-11-26. Review status: criteria provided, single submitter. Criteria: ACMG Guidelines, 2015. Collection method: clinical testing. Allele origin: germline.

Mayo Clinic Laboratories, Mayo Clinic
Classification: Benign. Last evaluated: 2024-02-02. Review status: criteria provided, single submitter. Criteria: ACMG Guidelines, 2015. Collection method: clinical testing. Allele origin: germline. Observed: 7 variant alleles.
Comment: BS1, BS2

GeneDx
Classification: Benign. Last evaluated: 2019-11-22. Review status: criteria provided, single submitter. Criteria: GeneDx Variant Classification Process June 2021. Collection method: clinical testing. Allele origin: germline. Affected: yes.

Wong Mito Lab, Molecular and Human Genetics, Baylor College of Medicine
Classification: Likely benign for Mitochondrial DNA depletion syndrome 13. Last evaluated: 2017-08-10. Review status: criteria provided, single submitter. Criteria: ACMG Guidelines, 2015. Collection method: reference population. Allele origin: germline.
Comment: The NM_012160.4:c.429A>G (NP_036292.2:p.Leu143=) [GRCH38: NC_000006.12:g.98926560T>C] variant in FBXL4 gene is interpretated to be a Likely Benign based on ACMG guidelines (PMID: 25741868). This variant meets one or more of the following evidence codes reported in the ACMG-guideline. BS1:The minor allele frequency of this allele is high for Mitochondrial DNA depletion syndrome 13. BP4:Computational evidence/predictors indicate no impact on the FBXL4 structure, function, or protein-protein interaction. BP5:The variant is found in a case with alternate cuase. BP7:The variant is silent with non predicted splice impact. Based on this evidence code ClinGen Pathogenicity Calculator (PMID:28081714) suggested that the variant is Likely Benign.

NM_001278716.2(FBXL4):c.429A>G (p.Leu143=)

Gene: FBXL4 (F-box and leucine rich repeat protein 4; minus strand). Cytogenetic location: 6q16.2.
Variant type: single nucleotide variant.
Coding change: c.429A>G on transcript NM_001278716.2 (MANE Select); coding-DNA position 429, A replaced by G.
Protein change: p.Leu143=; no amino-acid change (leucine 143 retained).
Molecular consequence: synonymous variant. On other transcripts: non-coding transcript variant (2).
Genome position (GRCh38, 1-based): chr6:98,926,560, T>C on the plus strand (A>G on the coding strand, the complement: FBXL4 is on the minus strand). VCF-style: chr6-98926560-T-C. GRCh37 (hg19) VCF-style: chr6-99374436-T-C.
Other names: p.Leu143=; c.429A>G, p.Leu143= (NM_012160.5).
Identifiers: ClinVar variation 382986 (VCV000382986.16), dbSNP rs17058965, ClinGen allele CA3933689.